The following is an entry in ClinVar:

ClinVar aggregate classification (germline): Benign. Review status: criteria provided, multiple submitters, no conflicts (2 of 4 stars). 2 submissions from 2 submitters: Benign (2). Last evaluated 2018-06-14.

Allele frequency attached by ClinVar (database versions not stated): TOPMed 0.85513; 1000 Genomes Project 30x 0.90412; 1000 Genomes Project 0.90935.
gnomAD v4.1: 424,524 of 492,882 alleles (86%); highest among the groups gnomAD compares: East Asian, 100%; 183,578 homozygotes.

Submissions (2):

GeneDx
Classification: Benign. Last evaluated: 2018-06-14. Review status: criteria provided, single submitter. Criteria: GeneDx Variant Classification (06012015). Collection method: clinical testing. Allele origin: germline. Affected: yes.
Comment: This variant is considered likely benign or benign based on one or more of the following criteria: it is a conservative change, it occurs at a poorly conserved position in the protein, it is predicted to be benign by multiple in silico algorithms, and/or has population frequency not consistent with disease.

Breakthrough Genomics
Classification: Benign. Review status: criteria provided, single submitter. Criteria: ACMG Guidelines, 2015. Collection method: not provided. Allele origin: germline. Inheritance: Autosomal dominant inheritance. Affected: yes.

NM_144670.6(A2ML1):c.483+272T>C

Gene: A2ML1 (alpha-2-macroglobulin like 1; plus strand). Cytogenetic location: 12p13.31.
Variant type: single nucleotide variant.
Coding change: c.483+272T>C on transcript NM_144670.6 (MANE Select); 272 bases into the intron after coding-DNA position 483, T replaced by C.
Molecular consequence: intron variant.
Genome position (GRCh38, 1-based): chr12:8,834,954, T>C. VCF-style: chr12-8834954-T-C. GRCh37 (hg19) VCF-style: chr12-8987550-T-C.
Identifiers: ClinVar variation 561806 (VCV000561806.2), dbSNP rs4883187, ClinGen allele CA13613173.